The following is an entry in ClinVar:

NM_000321.3(RB1):c.2222G>A (p.Arg741His)

Gene: RB1 (RB transcriptional corepressor 1; plus strand). Cytogenetic location: 13q14.2.
Variant type: single nucleotide variant.
Coding change: c.2222G>A on transcript NM_000321.3 (MANE Select); coding-DNA position 2222, G replaced by A.
Protein change: p.Arg741His; replaces arginine 741 with histidine.
Molecular consequence: missense variant.
Genome position (GRCh38, 1-based): chr13:48,465,008, G>A. VCF-style: chr13-48465008-G-A. GRCh37 (hg19) VCF-style: chr13-49039144-G-A.
Other names: short protein forms R741H.
Identifiers: ClinVar variation 581005 (VCV000581005.18), dbSNP rs764520289, ClinGen allele CA034875.

ClinVar aggregate classification (germline): Conflicting classifications of pathogenicity. Review status: criteria provided, conflicting classifications (1 of 4 stars). 4 submissions from 4 submitters: Uncertain significance (2); Likely benign (2). Last evaluated 2025-11-23.

Conditions:
Retinoblastoma (RB1). Also called: RETINOBLASTOMA, SOMATIC. Identifiers: Orphanet 790, MedGen C0035335, MeSH D012175, MONDO:0008380, OMIM 180200, HP:0009919. Disease mechanism: loss of function. Inheritance: Both sporadic and heritable forms are tested..
Hereditary cancer-predisposing syndrome. Also called: Neoplastic Syndromes, Hereditary; Tumor predisposition; Hereditary neoplastic syndrome; Hereditary Cancer Syndrome. Identifiers: Orphanet 140162, MedGen C0027672, MeSH D009386, MONDO:0015356.

Allele frequency attached by ClinVar (database versions not stated): gnomAD 0.00002; gnomAD exomes 0.00003.
gnomAD v4.1: 29 of 1,118,968 alleles (0.0026%); highest among the groups gnomAD compares: Non-Finnish European, 0.0033%; no homozygotes.

Submissions (4):

Labcorp Genetics (formerly Invitae), Labcorp
Classification: Likely benign for Retinoblastoma. Last evaluated: 2025-11-23. Review status: criteria provided, single submitter. Criteria: Invitae Variant Classification Sherloc (09022015). Collection method: clinical testing. Allele origin: germline.

Ambry Genetics
Classification: Uncertain significance for Hereditary cancer-predisposing syndrome. Last evaluated: 2025-11-05. Review status: criteria provided, single submitter. Criteria: Ambry Variant Classification Scheme 2023. Collection method: clinical testing. Allele origin: germline.
Comment: The p.R741H variant (also known as c.2222G>A), located in coding exon 22 of the RB1 gene, results from a G to A substitution at nucleotide position 2222. The arginine at codon 741 is replaced by histidine, an amino acid with highly similar properties. This amino acid position is not well conserved in available vertebrate species. In addition, this alteration is predicted to be tolerated by in silico analysis. Since supporting evidence is limited at this time, the clinical significance of this alteration remains unclear.

Color Diagnostics, LLC DBA Color Health
Classification: Likely benign for Retinoblastoma. Last evaluated: 2025-09-11. Review status: criteria provided, single submitter. Criteria: ACMG Guidelines, 2015. Collection method: clinical testing. Allele origin: germline.

Sema4
Classification: Uncertain significance for Hereditary cancer-predisposing syndrome. Last evaluated: 2021-11-15. Review status: criteria provided, single submitter. Criteria: Sema4 Curation Guidelines. Collection method: curation. Allele origin: germline.
Comment: The RB1 c.2222G>A (p.R741H) variant has not been reported in the literature to our knowledge. It was observed in 1/15816 chromosomes of the African subpopulation in the large and broad cohorts of the Genome Aggregation Database (PMID: 32461654), and has been reported in ClinVar (Variation ID 581005). Functional studies have not been performed, and in silico predictions of the variant's effect on protein function are inconclusive. The evidence is insufficient to meet ACMG/AMP criteria for classifying the variant as benign or pathogenic. Thus, the clinical significance of this variant is currently uncertain.